The following is an entry in ClinVar:

ClinVar aggregate classification (germline): Uncertain significance (1 of 4 stars; one submission).

Submission:

GeneDx
Classification: Uncertain significance. Last evaluated: 2026-03-03. Review status: criteria provided, single submitter. Criteria: GeneDx Variant Classification Process June 2021. Collection method: clinical testing. Allele origin: germline.
Comment: Not observed at significant frequency in large population cohorts (gnomAD); In silico analysis suggests that this variant does not alter splicing; Has not been previously published as pathogenic or benign to our knowledge

NM_007118.4(TRIO):c.1176+4A>C

Gene: TRIO (trio Rho guanine nucleotide exchange factor; plus strand). Cytogenetic location: 5p15.2.
Variant type: single nucleotide variant.
Coding change: c.1176+4A>C on transcript NM_007118.4 (MANE Select); 4 bases into the intron after coding-DNA position 1176, A replaced by C.
Molecular consequence: intron variant.
Genome position (GRCh38, 1-based): chr5:14,293,138, A>C. VCF-style: chr5-14293138-A-C. GRCh37 (hg19) VCF-style: chr5-14293247-A-C.
Identifiers: ClinVar variation 5008438 (VCV005008438.1).
Genomic context (GRCh38, chr5:14,293,138, plus strand): 5'-CACCCTCATGCCATGGAGCTTCAGACGCAGCACAATCACTTTGCCATGAACTGTATGGTA[A>C]GACACTCGGAACAGCTGGACCCTGGCATGTGACAGTGTTTTAGCAAATGGGAGGCATTTG-3'